The following is an entry in ClinVar:

ClinVar aggregate classification (germline): Uncertain significance (1 of 4 stars; one submission).

Conditions:
Inborn genetic diseases. Identifiers: MedGen C0950123, MeSH D030342.

Allele frequency attached by ClinVar (database versions not stated): TOPMed below 0.00001.

Submission:

Ambry Genetics
Classification: Uncertain significance for Inborn genetic diseases. Last evaluated: 2017-12-19. Review status: criteria provided, single submitter. Criteria: Ambry Variant Classification Scheme 2023. Collection method: clinical testing. Allele origin: germline.
Comment: The p.G434A variant (also known as c.1301G>C), located in coding exon 4 of the IQSEC2 gene, results from a G to C substitution at nucleotide position 1301. The glycine at codon 434 is replaced by alanine, an amino acid with similar properties. This amino acid position is highly conserved in available vertebrate species. In addition, this alteration is predicted to be tolerated by in silico analysis. Since supporting evidence is limited at this time, the clinical significance of this alteration remains unclear.

NM_001111125.3(IQSEC2):c.1301G>C (p.Gly434Ala)

Gene: IQSEC2 (IQ motif and Sec7 domain ArfGEF 2; minus strand). Cytogenetic location: Xp11.22.
Variant type: single nucleotide variant.
Coding change: c.1301G>C on transcript NM_001111125.3 (MANE Select); coding-DNA position 1301, G replaced by C.
Protein change: p.Gly434Ala; replaces glycine 434 with alanine.
Molecular consequence: missense variant.
Genome position (GRCh38, 1-based): chrX:53,254,630, C>G on the plus strand (G>C on the coding strand, the complement: IQSEC2 is on the minus strand). VCF-style: chrX-53254630-C-G. GRCh37 (hg19) VCF-style: chrX-53283812-C-G.
Other names: c.1301G>C, p.Gly434Ala (NM_001410736.1); c.686G>C, p.Gly229Ala (NM_015075.2); short protein forms G434A, G229A.
Identifiers: ClinVar variation 1769424 (VCV001769424.2), dbSNP rs2074438932, ClinGen allele CA413169132.
Genomic context (GRCh38, chrX:53,254,630, plus strand): 5'-GAAAACTCTCCAGATGTGGTGACGGAGCTTCCACCACCATCGATGCCCCCACCACAGGAG[C>G]CTCCATATGGGAGCCCCCGTTCAAGCCGGTGGCTCCGGGCACCAGCCATGGCACCCTCGT-3'
Protein context (NP_001104595.1, residues 424-444): HRLERGLPYG[Gly434Ala]SCGGGIDGGG